The following is an entry in ClinVar:

NM_007294.4(BRCA1):c.2981_2982del (p.Lys993_Cys994insTer)

Gene: BRCA1 (BRCA1 DNA repair associated; minus strand). Cytogenetic location: 17q21.31.
Variant type: Deletion.
Coding change: c.2981_2982del on transcript NM_007294.4 (MANE Select); coding-DNA positions 2981 to 2982, 2 bases deleted (GT; older notation c.2981_2982delGT).
Protein change: p.Lys993_Cys994insTer.
Molecular consequence: nonsense. On other transcripts: frameshift variant (1), intron variant (137).
Genome position (GRCh38, 1-based): chr17:43,092,549-43,092,550, AC deleted on the plus strand (GT on the coding strand, the reverse complement: BRCA1 is on the minus strand); deleting any 2 consecutive bases within chr17:43,092,549-43,092,551 gives the same sequence; the c. name uses the placement nearest the transcript's 3' end. VCF-style (leftmost placement, unchanged base first): chr17-43092548-TAC-T. GRCh37 (hg19) VCF-style: chr17-41244565-TAC-T.
Other names: 3100delGT; c.2981_2982delGT (NM_007294.3); c.2903_2904del, p.Lys967_Cys968insTer (NM_001407654.1, NM_001407655.1, NM_001407656.1 and 4 more transcripts); c.2900_2901del, p.Lys966_Cys967insTer (NM_001407659.1, NM_001407660.1, NM_001407661.1 and 1 more transcripts); c.2858_2859del, p.Lys952_Cys953insTer (NM_001407664.1, NM_001407665.1, NM_001407666.1 and 19 more transcripts); c.2855_2856del, p.Lys951_Cys952insTer (NM_001407670.1, NM_001407671.1, NM_001407672.1 and 11 more transcripts); c.2981_2982del, p.Lys993_Cys994insTer (NM_001407684.1, NM_001407854.1, NM_001407858.1 and 30 more transcripts); c.2840_2841del, p.Lys946_Cys947insTer (NM_001407692.1, NM_001407694.1, NM_001407695.1 and 29 more transcripts); and 43 more.
Identifiers: ClinVar variation 37495 (VCV000037495.13), dbSNP rs397507207, ClinGen allele CA001939.

ClinVar aggregate classification (germline): Pathogenic. Review status: reviewed by expert panel (3 of 4 stars). 7 submissions from 7 submitters: Pathogenic (1). 6 of the submissions do not count toward it. Last evaluated 2016-09-08.

Conditions:
Hereditary cancer-predisposing syndrome. Also called: Tumor predisposition; Neoplastic Syndromes, Hereditary; Hereditary Cancer Syndrome; Hereditary neoplastic syndrome. Identifiers: Orphanet 140162, MedGen C0027672, MeSH D009386, MONDO:0015356.
Breast-ovarian cancer, familial, susceptibility to, 1 (BROVCA1). Also called: OVARIAN CANCER, SUSCEPTIBILITY TO; BRCA1 Hereditary Breast and Ovarian Cancer. Identifiers: Orphanet 145, MedGen C2676676, MONDO:0011450, OMIM 604370. Disease mechanism: loss of function.

Submissions (7):

Evidence-based Network for the Interpretation of Germline Mutant Alleles (ENIGMA)
Classification: Pathogenic for Breast-ovarian cancer, familial, susceptibility to, 1. Last evaluated: 2016-09-08. Review status: reviewed by expert panel. Criteria: ENIGMA BRCA1/2 Classification Criteria (2015). Collection method: curation. Allele origin: germline.
Comment: Variant allele predicted to encode a truncated non-functional protein.

Ambry Genetics
Classification: Pathogenic for Hereditary cancer-predisposing syndrome. Last evaluated: 2025-06-03. Review status: criteria provided, single submitter. Criteria: Ambry Variant Classification Scheme 2023. Collection method: clinical testing. Allele origin: germline. Not counted in ClinVar's aggregate classification.
Comment: The c.2981_2982delGT pathogenic mutation, located in coding exon 9 of the BRCA1 gene, results from a deletion of two nucleotides at nucleotide positions 2981 to 2982, causing a translational frameshift with a predicted alternate stop codon (p.C994*). This alteration is expected to result in loss of function by premature protein truncation or nonsense-mediated mRNA decay. As such, this alteration is interpreted as a disease-causing mutation.

Quest Diagnostics Nichols Institute San Juan Capistrano
Classification: Pathogenic. Last evaluated: 2024-01-15. Review status: criteria provided, single submitter. Criteria: Quest Diagnostics criteria. Collection method: clinical testing. Allele origin: unknown. Not counted in ClinVar's aggregate classification.
Comment: The BRCA1 c.2981_2982del (p.Cys994*) variant causes the premature termination of BRCA1 protein synthesis. This variant has been reported in the published literature in individuals affected with breast cancer (PMIDs: 27553291 (2016), 33552952 (2020)), and individuals suspected of hereditary breast and/or ovarian cancer (PMIDs: 29339979 (2018), 29446198 (2018), 34981296 (2022)). This variant has not been reported in large, multi-ethnic general populations (Genome Aggregation Database). Based on the available information, this variant is classified as pathogenic.

Color Diagnostics, LLC DBA Color Health
Classification: Pathogenic for Hereditary cancer-predisposing syndrome. Last evaluated: 2020-10-07. Review status: criteria provided, single submitter. Criteria: ACMG Guidelines, 2015. Collection method: clinical testing. Allele origin: germline. Not counted in ClinVar's aggregate classification.
Comment: This variant deletes 2 nucleotides in exon 10 of the BRCA1 gene, creating a frameshift and premature translation stop signal. This variant is expected to result in an absent or non-functional protein product. To our knowledge, this variant has not been reported in individuals affected with hereditary cancer in the literature. This variant has not been identified in the general population by the Genome Aggregation Database (gnomAD). Loss of BRCA1 function is a known mechanism of disease. Based on the available evidence, this variant is classified as Pathogenic.

Consortium of Investigators of Modifiers of BRCA1/2 (CIMBA), c/o University of Cambridge
Classification: Pathogenic for Breast-ovarian cancer, familial, susceptibility to, 1. Last evaluated: 2015-10-02. Review status: criteria provided, single submitter. Criteria: CIMBA Mutation Classification guidelines May 2016. Collection method: clinical testing. Allele origin: germline. Not counted in ClinVar's aggregate classification.

Department of Medical Genetics, Oslo University Hospital
Classification: Pathogenic for Breast-ovarian cancer, familial, susceptibility to, 1. Last evaluated: 2015-01-22. Review status: criteria provided, single submitter. Criteria: ACMG Guidelines, 2015. Collection method: clinical testing. Allele origin: germline. Affected: yes. Observed: 1 variant allele. Not counted in ClinVar's aggregate classification.

Sharing Clinical Reports Project (SCRP)
Classification: Pathogenic for Breast-ovarian cancer, familial 1. Last evaluated: 2011-03-30. Review status: no assertion criteria provided. Collection method: clinical testing. Allele origin: germline. Not counted in ClinVar's aggregate classification.

Literature cited by the submitters: PubMed 29446198 (cited by Quest Diagnostics Nichols Institute San Juan Capistrano); PubMed 27553291 (cited by Quest Diagnostics Nichols Institute San Juan Capistrano); PubMed 29339979 (cited by Quest Diagnostics Nichols Institute San Juan Capistrano); PubMed 31528241 (cited by Quest Diagnostics Nichols Institute San Juan Capistrano); PubMed 34981296 (cited by Quest Diagnostics Nichols Institute San Juan Capistrano); PubMed 33552952 (cited by Quest Diagnostics Nichols Institute San Juan Capistrano).